The following is an entry in ClinVar:

ClinVar aggregate classification (germline): Pathogenic (1 of 4 stars; one submission).

Submission:

Labcorp Genetics (formerly Invitae), Labcorp
Classification: Pathogenic. Last evaluated: 2021-06-16. Review status: criteria provided, single submitter. Criteria: Invitae Variant Classification Sherloc (09022015). Collection method: clinical testing. Allele origin: germline.
Comment: A gross deletion of the genomic region encompassing the full coding sequence of the COL4A4 gene has been identified. Loss-of-function variants in COL4A4 are known to be pathogenic (PMID: 21196518, 24854265, 25307543). The boundaries of this event are unknown as they extend beyond the assayed region for this gene and therefore may encompass additional genes. This variant has not been reported in the literature in individuals with COL4A4-related conditions. For these reasons, this variant has been classified as Pathogenic.

Literature cited by the submitters: PubMed 21196518; PubMed 24854265; PubMed 25307543.

NC_000002.11:g.(?_227659726)_(228175684_?)del

Genes: RHBDD1 (rhomboid domain containing 1; plus strand), COL4A3 (collagen type IV alpha 3 chain; plus strand), COL4A4 (collagen type IV alpha 4 chain; minus strand), IRS1 (insulin receptor substrate 1; minus strand). Cytogenetic location: 2q36.3.
Variant type: Deletion.
Identifiers: ClinVar variation 1459226 (VCV001459226.3).